The following is an entry in ClinVar:

ClinVar aggregate classification (germline): Uncertain significance (1 of 4 stars; one submission).

Submission:

Labcorp Genetics (formerly Invitae), Labcorp
Classification: Uncertain significance. Last evaluated: 2023-11-06. Review status: criteria provided, single submitter. Criteria: Invitae Variant Classification Sherloc (09022015). Collection method: clinical testing. Allele origin: germline.
Comment: This sequence change replaces alanine, which is neutral and non-polar, with valine, which is neutral and non-polar, at codon 883 of the MTTP protein (p.Ala883Val). This variant is not present in population databases (gnomAD no frequency). This variant has not been reported in the literature in individuals affected with MTTP-related conditions. ClinVar contains an entry for this variant (Variation ID: 2122237). Advanced modeling of protein sequence and biophysical properties (such as structural, functional, and spatial information, amino acid conservation, physicochemical variation, residue mobility, and thermodynamic stability) performed at Invitae indicates that this missense variant is not expected to disrupt MTTP protein function with a negative predictive value of 80%. In summary, the available evidence is currently insufficient to determine the role of this variant in disease. Therefore, it has been classified as a Variant of Uncertain Significance.

NM_001386140.1(MTTP):c.2648C>T (p.Ala883Val)

Gene: MTTP (microsomal triglyceride transfer protein; plus strand). Cytogenetic location: 4q23.
Variant type: single nucleotide variant.
Coding change: c.2648C>T on transcript NM_001386140.1 (MANE Select); coding-DNA position 2648, C replaced by T.
Protein change: p.Ala883Val; replaces alanine 883 with valine.
Molecular consequence: missense variant.
Genome position (GRCh38, 1-based): chr4:99,622,811, C>T. VCF-style: chr4-99622811-C-T. GRCh37 (hg19) VCF-style: chr4-100543968-C-T.
Other names: c.2648C>T, p.Ala883Val (NM_000253.4); c.2399C>T, p.Ala800Val (NM_001300785.2); short protein forms A883V, A800V.
Identifiers: ClinVar variation 2122237 (VCV002122237.3), dbSNP rs1490208528, ClinGen allele CA357520701.
Genomic context (GRCh38, chr4:99,622,811, plus strand): 5'-TAGCAGGATGTGAATTCCCGCTCCATCAAGAGAACTCAGAGATGTGCAAAGTGGTGTTTG[C>T]CCCTCAGCCGGATAGTACTTCCAGCGGATGGTTTTGAAACTGACCTGTGATATTTTACTT-3'
Protein context (NP_001373069.1, residues 873-893): ENSEMCKVVF[Ala883Val]PQPDSTSSGW